The following is an entry in ClinVar:

NM_007294.3(BRCA1):c.*4549G>C

Gene: BRCA1 (BRCA1 DNA repair associated; minus strand). Cytogenetic location: 17q21.31.
Variant type: single nucleotide variant.
Coding change: c.*4549G>C on transcript NM_007294.3; 4549 bases downstream of the stop codon, G replaced by C.
Genome position (GRCh38, 1-based): chr17:43,041,129, C>G on the plus strand (G>C on the coding strand, the complement: BRCA1 is on the minus strand). VCF-style: chr17-43041129-C-G. GRCh37 (hg19) VCF-style: chr17-41193146-C-G.
Other names: 10260 G>C.
Identifiers: ClinVar variation 209223 (VCV000209223.3), dbSNP rs138528005, ClinGen allele CA276199.

ClinVar aggregate classification (germline): Benign (3 of 4 stars; one submission).

Conditions:
Breast-ovarian cancer, familial, susceptibility to, 1 (BROVCA1). Also called: OVARIAN CANCER, SUSCEPTIBILITY TO; BRCA1 Hereditary Breast and Ovarian Cancer. Identifiers: Orphanet 145, MedGen C2676676, MONDO:0011450, OMIM 604370. Disease mechanism: loss of function.

Allele frequency attached by ClinVar (database versions not stated): TOPMed 0.00149; 1000 Genomes Project 30x 0.00156; gnomAD 0.00158; 1000 Genomes Project 0.00200.

Submission:

Evidence-based Network for the Interpretation of Germline Mutant Alleles (ENIGMA)
Classification: Benign for Breast-ovarian cancer, familial 1. Last evaluated: 2015-01-12. Review status: reviewed by expert panel. Criteria: ENIGMA BRCA1/2 Classification Criteria (2015). Collection method: curation. Allele origin: germline.
Comment: Class 1 not pathogenic based on frequency >1% in an outbred sampleset. Frequency 0.02 (African), derived from 1000 genomes (2012-04-30).